The following is an entry in ClinVar:

NM_000051.4(ATM):c.5407G>T (p.Asp1803Tyr)

Gene: ATM (ATM serine/threonine kinase; plus strand). Cytogenetic location: 11q22.3.
Variant type: single nucleotide variant.
Coding change: c.5407G>T on transcript NM_000051.4 (MANE Select); coding-DNA position 5407, G replaced by T.
Protein change: p.Asp1803Tyr; replaces aspartic acid 1803 with tyrosine.
Molecular consequence: missense variant.
Genome position (GRCh38, 1-based): chr11:108,302,940, G>T. VCF-style: chr11-108302940-G-T. GRCh37 (hg19) VCF-style: chr11-108173667-G-T.
Other names: c.5407G>T, p.Asp1803Tyr (NM_001351834.2); short protein forms D1803Y.
Identifiers: ClinVar variation 3252265 (VCV003252265.1), dbSNP rs2083502901.

ClinVar aggregate classification (germline): Uncertain significance (1 of 4 stars; one submission).

Submission:

GeneDx
Classification: Uncertain significance. Last evaluated: 2023-05-24. Review status: criteria provided, single submitter. Criteria: GeneDx Variant Classification Process June 2021. Collection method: clinical testing. Allele origin: germline. Affected: yes.
Comment: Not observed at significant frequency in large population cohorts (gnomAD); In silico analysis supports that this missense variant does not alter protein structure/function; Has not been previously published as pathogenic or benign to our knowledge